The following is an entry in ClinVar:

NM_000191.3(HMGCL):c.773C>T (p.Ser258Phe)

Gene: HMGCL (3-hydroxy-3-methylglutaryl-CoA lyase; minus strand). Cytogenetic location: 1p36.11.
Variant type: single nucleotide variant.
Coding change: c.773C>T on transcript NM_000191.3 (MANE Select); coding-DNA position 773, C replaced by T.
Protein change: p.Ser258Phe; replaces serine 258 with phenylalanine.
Molecular consequence: missense variant.
Genome position (GRCh38, 1-based): chr1:23,804,503, G>A on the plus strand (C>T on the coding strand, the complement: HMGCL is on the minus strand). VCF-style: chr1-23804503-G-A. GRCh37 (hg19) VCF-style: chr1-24130993-G-A.
Other names: c.560C>T, p.Ser187Phe (NM_001166059.2); short protein forms S187F, S258F.
Identifiers: ClinVar variation 4881744 (VCV004881744.2).

ClinVar aggregate classification (germline): Uncertain significance (1 of 4 stars; one submission).

gnomAD v4.1: 1 of 1,614,154 alleles (0.000062%); no homozygotes.

Submission:

Dasa
Classification: Uncertain significance. Last evaluated: 2025-01-14. Review status: criteria provided, single submitter. Criteria: DASA Assertion Criteria. Collection method: clinical testing. Allele origin: germline.
Comment: NM_000191.3(HMGCL):c.773C>T (p.Ser258Phe) is a missense variant that results in the substitution of serine with phenylalanine. This variant has been observed in affected individuals with HMGCL-related disorders. Also, this variant is rare in population databases. Computational prediction algorithms are consistent with a deleterious effect. The currently available literature and clinical evidence are not sufficient to establish a definitive association between this variant and the reported condition. Therefore, this variant is classified as a variant of uncertain significance.